The following is an entry in ClinVar:

NM_001005361.3(DNM2):c.2278G>A (p.Ala760Thr)

Gene: DNM2 (dynamin 2; plus strand). Cytogenetic location: 19p13.2.
Variant type: single nucleotide variant.
Coding change: c.2278G>A on transcript NM_001005361.3 (MANE Select); coding-DNA position 2278, G replaced by A.
Protein change: p.Ala760Thr; replaces alanine 760 with threonine.
Molecular consequence: missense variant.
Genome position (GRCh38, 1-based): chr19:10,829,255, G>A. VCF-style: chr19-10829255-G-A. GRCh37 (hg19) VCF-style: chr19-10939931-G-A.
Other names: c.2278G>A, p.Ala760Thr (NM_001005360.3, NM_001190716.2); c.2266G>A, p.Ala756Thr (NM_001005362.3, NM_004945.4); short protein forms A760T, A756T.
Identifiers: ClinVar variation 1418616 (VCV001418616.8), dbSNP rs779315825, ClinGen allele CA9201564.
Genomic context (GRCh38, chr19:10,829,255, plus strand): 5'-AGCACCAGCACTGTGTCCACGCCTGTACCCCCGCCTGTCGATGACACCTGGCTCCAGAGC[G>A]CCAGCAGCCACAGGTCCGGAAGCCTGGTTCCCCTACCCTCAAGCATTCGGCCTGCAGGTT-3'
Protein context (NP_001005361.1, residues 750-770): PPVDDTWLQS[Ala760Thr]SSHSPTPQRR

ClinVar aggregate classification (germline): Conflicting classifications of pathogenicity. Review status: criteria provided, conflicting classifications (1 of 4 stars). 2 submissions from 2 submitters: Uncertain significance (1); Likely benign (1). Last evaluated 2022-09-15.

Conditions:
Charcot-Marie-Tooth disease dominant intermediate B (CMTDIB). Also called: Charcot-Marie-Tooth disease dominant intermediate 1; CMT DI1; Charcot-Marie-Tooth disease dominant intermediate I; CHARCOT-MARIE-TOOTH NEUROPATHY, DOMINANT INTERMEDIATE B. Identifiers: Orphanet 100044, Orphanet 228179, MedGen C1847902, MONDO:0011674, OMIM 606482.
Inborn genetic diseases. Identifiers: MedGen C0950123, MeSH D030342.

Allele frequency attached by ClinVar (database versions not stated): gnomAD exomes below 0.00001 and 0.00002; TOPMed 0.00001; ExAC 0.00003.
gnomAD v4.1: 29 of 1,613,072 alleles (0.0018%); highest among the groups gnomAD compares: South Asian, 0.015%; 1 homozygote.

Submissions (2):

Labcorp Genetics (formerly Invitae), Labcorp
Classification: Uncertain significance for Charcot-Marie-Tooth disease dominant intermediate B. Last evaluated: 2022-09-15. Review status: criteria provided, single submitter. Criteria: Invitae Variant Classification Sherloc (09022015). Collection method: clinical testing. Allele origin: germline.
Comment: This sequence change replaces alanine, which is neutral and non-polar, with threonine, which is neutral and polar, at codon 760 of the DNM2 protein (p.Ala760Thr). This variant is present in population databases (rs779315825, gnomAD 0.0009%). This variant has not been reported in the literature in individuals affected with DNM2-related conditions. ClinVar contains an entry for this variant (Variation ID: 1418616). Algorithms developed to predict the effect of missense changes on protein structure and function output the following: SIFT: "Tolerated"; PolyPhen-2: "Benign"; Align-GVGD: "Class C0". The threonine amino acid residue is found in multiple mammalian species, which suggests that this missense change does not adversely affect protein function. In summary, the available evidence is currently insufficient to determine the role of this variant in disease. Therefore, it has been classified as a Variant of Uncertain Significance.

Ambry Genetics
Classification: Likely benign for Inborn genetic diseases. Last evaluated: 2022-04-07. Review status: criteria provided, single submitter. Criteria: Ambry Variant Classification Scheme 2023. Collection method: clinical testing. Allele origin: germline.